The following is an entry in ClinVar:

NM_003482.4(KMT2D):c.14317A>G (p.Thr4773Ala)

Gene: KMT2D (lysine methyltransferase 2D; minus strand). Cytogenetic location: 12q13.12.
Variant type: single nucleotide variant.
Coding change: c.14317A>G on transcript NM_003482.4 (MANE Select); coding-DNA position 14317, A replaced by G.
Protein change: p.Thr4773Ala; replaces threonine 4773 with alanine.
Molecular consequence: missense variant.
Genome position (GRCh38, 1-based): chr12:49,028,893, T>C on the plus strand (A>G on the coding strand, the complement: KMT2D is on the minus strand). VCF-style: chr12-49028893-T-C. GRCh37 (hg19) VCF-style: chr12-49422676-T-C.
Other names: short protein forms T4773A.
Identifiers: ClinVar variation 3348489 (VCV003348489.1).
Genomic context (GRCh38, chr12:49,028,893, plus strand): 5'-CTGCAGCAGCAGAGACTGTGAGCATGACTGACACCTCACTTCCTTTGCCCTTTTCCCAAG[T>C]TGTGACAGGCAGCTTTCCAGGGACCTCCAGGCCAAGGGCCCCATAAGGTTTGGTATCTGG-3'
Protein context (NP_003473.3, residues 4763-4783): LEVPGKLPVT[Thr4773Ala]WEKGKGSEVS

ClinVar aggregate classification (germline): Uncertain significance (0 of 4 stars; one submission).

Conditions:
KMT2D-related disorder. Also called: KMT2D-Related Disorders.

gnomAD v4.1: 2 of 1,613,986 alleles (0.00012%); highest among the groups gnomAD compares: East Asian, 0.0045%; no homozygotes.

Submission:

PreventionGenetics, part of Exact Sciences
Classification: Uncertain significance for KMT2D-related condition. Last evaluated: 2024-03-21. Review status: no assertion criteria provided. Collection method: clinical testing. Allele origin: germline.
Comment: The KMT2D c.14317A>G variant is predicted to result in the amino acid substitution p.Thr4773Ala. To our knowledge, this variant has not been reported in the literature or in a large population database, indicating this variant is rare. At this time, the clinical significance of this variant is uncertain due to the absence of conclusive functional and genetic evidence.